The following is an entry in ClinVar:

ClinVar aggregate classification (germline): Uncertain significance. Review status: criteria provided, multiple submitters, no conflicts (2 of 4 stars). 2 submissions from 2 submitters: Uncertain significance (2). Last evaluated 2021-08-16.

Conditions:
Inborn genetic diseases. Identifiers: MedGen C0950123, MeSH D030342.
SCAF4-associated Neurodevelopmental disorder.

Allele frequency attached by ClinVar (database versions not stated): gnomAD exomes below 0.00001.
gnomAD v4.1: 3 of 1,613,678 alleles (0.00019%); highest among the groups gnomAD compares: Admixed American, 0.005%; no homozygotes.

Submissions (2):

Ambry Genetics
Classification: Uncertain significance for Inborn genetic diseases. Last evaluated: 2021-08-16. Review status: criteria provided, single submitter. Criteria: Ambry Variant Classification Scheme 2023. Collection method: clinical testing. Allele origin: germline.

New York Genome Center
Classification: Uncertain significance for SCAF4-associated Neurodevelopmental disorder. Last evaluated: 2021-07-16. Review status: criteria provided, single submitter. Criteria: NYGC Assertion Criteria 2020. Collection method: clinical testing. Allele origin: germline. Observed: 1 heterozygote. Study: CSER-NYCKidSeq.
Comment: The c.988C>G (p.Pro330Ala) variant identified in the SCAF4 gene substitutes a well conserved Proline for Alanine at amino acid 330/1148 (exon9/20). This variant is absent from gnomAD(v3.1.1) suggesting it is not a common benign variant in the populations represented in that database. In silico algorithms predict this variant to be Damaging (SIFT; score:0.038) and Benign (REVEL; score:0.1759) to the function of the canonical transcript. This variant is absent from ClinVar and to our current knowledge has not been reported in affected individuals in the literature. The p.Pro330 residue is not within a mapped domain of SCAF4 (UniProtKB:O95104). Given the lack of compelling evidence for its pathogenicity, the c.988C>G (p.Pro330Ala) variant identified in the SCAF4 gene is reported as a Variant of Uncertain Significance.

NM_020706.2(SCAF4):c.988C>G (p.Pro330Ala)

Gene: SCAF4 (SR-related CTD associated factor 4; minus strand). Cytogenetic location: 21q22.11.
Variant type: single nucleotide variant.
Coding change: c.988C>G on transcript NM_020706.2 (MANE Select); coding-DNA position 988, C replaced by G.
Protein change: p.Pro330Ala; replaces proline 330 with alanine.
Molecular consequence: missense variant.
Genome position (GRCh38, 1-based): chr21:31,696,193, G>C on the plus strand (C>G on the coding strand, the complement: SCAF4 is on the minus strand). VCF-style: chr21-31696193-G-C. GRCh37 (hg19) VCF-style: chr21-33068506-G-C.
Other names: c.943C>G, p.Pro315Ala (NM_001145444.1); c.988C>G, p.Pro330Ala (NM_001145445.1); short protein forms P315A, P330A.
Identifiers: ClinVar variation 1696553 (VCV001696553.4), dbSNP rs1298964786, ClinGen allele CA410048506.